The following is an entry in ClinVar:

ClinVar aggregate classification (germline): Uncertain significance (1 of 4 stars; one submission).

gnomAD v4.1: 7 of 1,606,000 alleles (0.00044%); highest among the groups gnomAD compares: Non-Finnish European, 0.0006%; no homozygotes.

Submission:

CeGaT Center for Human Genetics Tuebingen
Classification: Uncertain significance. Last evaluated: 2026-06-01. Review status: criteria provided, single submitter. Criteria: CeGaT Center For Human Genetics Tuebingen Variant Classification Criteria Version 2. Collection method: clinical testing. Allele origin: germline. Affected: yes. Observed: 1 variant allele.
Comment: TTN: PM2

NM_001267550.2(TTN):c.15465G>T (p.Lys5155Asn)

Gene: TTN (titin; minus strand). Cytogenetic location: 2q31.2.
Variant type: single nucleotide variant.
Coding change: c.15465G>T on transcript NM_001267550.2 (MANE Select); coding-DNA position 15465, G replaced by T.
Protein change: p.Lys5155Asn; replaces lysine 5155 with asparagine.
Molecular consequence: missense variant. On other transcripts: intron variant (3).
Genome position (GRCh38, 1-based): chr2:178,734,359, C>A on the plus strand (G>T on the coding strand, the complement: TTN is on the minus strand). VCF-style: chr2-178734359-C-A. GRCh37 (hg19) VCF-style: chr2-179599086-C-A.
Other names: c.14514G>T, p.Lys4838Asn (NM_001256850.1); c.11733G>T, p.Lys3911Asn (NM_133378.4); c.13282+3723G>T (NM_003319.4); c.13858+3723G>T (NM_133437.4); c.13657+3723G>T (NM_133432.3); short protein forms K3911N, K4838N, K5155N.
Identifiers: ClinVar variation 4875246 (VCV004875246.2).